The following is an entry in ClinVar:

ClinVar aggregate classification (germline): Benign/Likely benign. Review status: criteria provided, multiple submitters, no conflicts (2 of 4 stars). 4 submissions from 4 submitters: Benign (3); Likely benign (1). Last evaluated 2026-02-02.

Conditions:
Benign neonatal seizures. Also called: Convulsions benign familial neonatal dominant form; Autosomal dominant form of benign neonatal seizures; Benign familial neonatal seizures; Benign neonatal familial convulsions; Benign familial neonatal epilepsy. Identifiers: Orphanet 1949, MedGen C0220669, MONDO:0016027.

Allele frequency attached by ClinVar (database versions not stated): gnomAD exomes 0.00010 and 0.00034; ExAC 0.00033; gnomAD 0.00124 and 0.00128; TOPMed 0.00125; ESP Exome Variant Server 0.00169; 1000 Genomes Project 0.00180; 1000 Genomes Project 30x 0.00234.
gnomAD v4.1: 331 of 1,572,174 alleles (0.021%); highest among the groups gnomAD compares: African/African-American, 0.41%; 2 homozygotes.

Submissions (4):

Labcorp Genetics (formerly Invitae), Labcorp
Classification: Benign for Benign neonatal seizures. Last evaluated: 2026-02-02. Review status: criteria provided, single submitter. Criteria: Invitae Variant Classification Sherloc (09022015). Collection method: clinical testing. Allele origin: germline.

Blueprint Genetics
Classification: Likely benign. Last evaluated: 2023-09-14. Review status: criteria provided, single submitter. Criteria: ACMG Guidelines, 2015. Collection method: clinical testing. Allele origin: germline.

Center for Pediatric Genomic Medicine, Children's Mercy Hospital and Clinics
Classification: Benign. Last evaluated: 2017-08-29. Review status: criteria provided, single submitter. Criteria: ACMG Guidelines, 2015. Collection method: clinical testing. Allele origin: germline.

GeneDx
Classification: Benign. Last evaluated: 2014-03-27. Review status: criteria provided, single submitter. Criteria: GeneDx Variant Classification (06012015). Collection method: clinical testing. Allele origin: germline. Affected: yes.
Comment: This variant is considered likely benign or benign based on one or more of the following criteria: it is a conservative change, it occurs at a poorly conserved position in the protein, it is predicted to be benign by multiple in silico algorithms, and/or has population frequency not consistent with disease.

NM_004519.4(KCNQ3):c.1568+12A>G

Gene: KCNQ3 (potassium voltage-gated channel subfamily Q member 3; minus strand). Cytogenetic location: 8q24.22.
Variant type: single nucleotide variant.
Coding change: c.1568+12A>G on transcript NM_004519.4 (MANE Select); 12 bases into the intron after coding-DNA position 1568, A replaced by G.
Molecular consequence: intron variant.
Genome position (GRCh38, 1-based): chr8:132,140,064, T>C on the plus strand (A>G on the coding strand, the complement: KCNQ3 is on the minus strand). VCF-style: chr8-132140064-T-C. GRCh37 (hg19) VCF-style: chr8-133152311-T-C.
Other names: c.1208+12A>G (NM_001204824.2).
Identifiers: ClinVar variation 138043 (VCV000138043.11), dbSNP rs181790623, ClinGen allele CA291835.